The following is an entry in ClinVar:

ClinVar aggregate classification (germline): Uncertain significance (1 of 4 stars; one submission).

Allele frequency attached by ClinVar (database versions not stated): gnomAD exomes below 0.00001.
gnomAD v4.1: 2 of 1,613,858 alleles (0.00012%); highest among the groups gnomAD compares: Non-Finnish European, 0.00017%; no homozygotes.

Submission:

Labcorp Genetics (formerly Invitae), Labcorp
Classification: Uncertain significance. Last evaluated: 2022-08-16. Review status: criteria provided, single submitter. Criteria: Invitae Variant Classification Sherloc (09022015). Collection method: clinical testing. Allele origin: germline.
Comment: This sequence change replaces tyrosine, which is neutral and polar, with cysteine, which is neutral and slightly polar, at codon 700 of the MYO5B protein (p.Tyr700Cys). This variant is not present in population databases (gnomAD no frequency). This variant has not been reported in the literature in individuals affected with MYO5B-related conditions. ClinVar contains an entry for this variant (Variation ID: 1480420). Algorithms developed to predict the effect of missense changes on protein structure and function are either unavailable or do not agree on the potential impact of this missense change (SIFT: "Deleterious"; PolyPhen-2: "Probably Damaging"; Align-GVGD: "Class C0"). In summary, the available evidence is currently insufficient to determine the role of this variant in disease. Therefore, it has been classified as a Variant of Uncertain Significance.

NM_001080467.3(MYO5B):c.2099A>G (p.Tyr700Cys)

Gene: MYO5B (myosin VB; minus strand). Cytogenetic location: 18q21.1.
Variant type: single nucleotide variant.
Coding change: c.2099A>G on transcript NM_001080467.3 (MANE Select); coding-DNA position 2099, A replaced by G.
Protein change: p.Tyr700Cys; replaces tyrosine 700 with cysteine.
Molecular consequence: missense variant.
Genome position (GRCh38, 1-based): chr18:49,912,165, T>C on the plus strand (A>G on the coding strand, the complement: MYO5B is on the minus strand). VCF-style: chr18-49912165-T-C. GRCh37 (hg19) VCF-style: chr18-47438535-T-C.
Other names: short protein forms Y700C.
Identifiers: ClinVar variation 1480420 (VCV001480420.8), dbSNP rs2024965693, ClinGen allele CA402439343.